The following is an entry in ClinVar:

ClinVar aggregate classification (germline): Likely benign (1 of 4 stars; one submission).

Conditions:
PLXNA3-related disorder. Also called: PLXNA3-related condition.

gnomAD v4.1: 4 of 1,209,260 alleles (0.00033%); highest among the groups gnomAD compares: African/African-American, 0.007%; no homozygotes.

Submission:

PreventionGenetics, part of Exact Sciences
Classification: Likely benign for PLXNA3-related condition. Last evaluated: 2026-08-27. Review status: criteria provided, single submitter. Criteria: ACMG Guidelines, 2015. Collection method: clinical testing. Allele origin: germline.
Comment: This variant is classified as likely benign based on ACMG/AMP sequence variant interpretation guidelines (Richards et al. 2015 PMID: 25741868, with internal and published modifications).

NM_017514.5(PLXNA3):c.5349C>T (p.Asn1783=)

Gene: PLXNA3 (plexin A3; plus strand). Cytogenetic location: Xq28.
Variant type: single nucleotide variant.
Coding change: c.5349C>T on transcript NM_017514.5 (MANE Select); coding-DNA position 5349, C replaced by T.
Protein change: p.Asn1783=; no amino-acid change (asparagine 1783 retained).
Molecular consequence: synonymous variant.
Genome position (GRCh38, 1-based): chrX:154,471,297, C>T. VCF-style: chrX-154471297-C-T. GRCh37 (hg19) VCF-style: chrX-153699640-C-T.
Identifiers: ClinVar variation 4982811 (VCV004982811.1).